The following is an entry in ClinVar:

ClinVar aggregate classification (germline): Uncertain significance (1 of 4 stars; one submission).

Conditions:
Early-infantile DEE. Also called: Ohtahara syndrome; Early infantile epileptic encephalopathy with suppression bursts; Early infantile epileptic encephalopathy. Identifiers: Orphanet 1934, MedGen C0393706, MONDO:0800491.

Submission:

Labcorp Genetics (formerly Invitae), Labcorp
Classification: Uncertain significance for Early-infantile DEE. Last evaluated: 2024-04-08. Review status: criteria provided, single submitter. Criteria: Invitae Variant Classification Sherloc (09022015). Collection method: clinical testing. Allele origin: germline.
Comment: This sequence change creates a premature translational stop signal (p.Gln709Glufs*57) in the HCN1 gene. While this is not anticipated to result in nonsense mediated decay, it is expected to disrupt the last 182 amino acid(s) of the HCN1 protein. This variant is not present in population databases (gnomAD no frequency). This variant has not been reported in the literature in individuals affected with HCN1-related conditions. ClinVar contains an entry for this variant (Variation ID: 848899). Experimental studies and prediction algorithms are not available or were not evaluated, and the functional significance of this variant is currently unknown. In summary, the available evidence is currently insufficient to determine the role of this variant in disease. Therefore, it has been classified as a Variant of Uncertain Significance.

NM_021072.4(HCN1):c.2125_2126del (p.Gln709fs)

Gene: HCN1 (hyperpolarization activated cyclic nucleotide gated potassium channel 1; minus strand). Cytogenetic location: 5p12.
Variant type: Deletion.
Coding change: c.2125_2126del on transcript NM_021072.4 (MANE Select); coding-DNA positions 2125 to 2126, 2 bases deleted (CA; older notation c.2125_2126delCA).
Protein change: p.Gln709fs; shifts the reading frame from glutamine 709.
Molecular consequence: frameshift variant.
Genome position (GRCh38, 1-based): chr5:45,262,468-45,262,469, TG deleted on the plus strand (CA on the coding strand, the reverse complement: HCN1 is on the minus strand); deleting any 2 consecutive bases within chr5:45,262,468-45,262,470 gives the same sequence; the c. name uses the placement nearest the transcript's 3' end. VCF-style (leftmost placement, unchanged base first): chr5-45262467-CTG-C. GRCh37 (hg19) VCF-style: chr5-45262569-CTG-C.
Other names: short protein forms Q709fs.
Identifiers: ClinVar variation 848899 (VCV000848899.8), dbSNP rs1744766400, ClinGen allele CA916082706.